The following is an entry in ClinVar:

NM_007315.4(STAT1):c.785+3A>G

Gene: STAT1 (signal transducer and activator of transcription 1; minus strand). Cytogenetic location: 2q32.2.
Variant type: single nucleotide variant.
Coding change: c.785+3A>G on transcript NM_007315.4 (MANE Select); 3 bases into the intron after coding-DNA position 785, A replaced by G.
Molecular consequence: intron variant.
Genome position (GRCh38, 1-based): chr2:190,997,853, T>C on the plus strand (A>G on the coding strand, the complement: STAT1 is on the minus strand). VCF-style: chr2-190997853-T-C. GRCh37 (hg19) VCF-style: chr2-191862579-T-C.
Other names: c.785+3A>G (NM_001437284.1, NM_001384885.1, NM_001384887.1 and 6 more transcripts); c.695+3A>G (NM_001384890.1); c.686+3A>G (NM_001384883.1); c.821+3A>G (NM_001384891.1); c.791+3A>G (NM_001384884.1, NM_001384881.1).
Identifiers: ClinVar variation 4856874 (VCV004856874.2).

ClinVar aggregate classification (germline): Uncertain significance (1 of 4 stars; one submission).

Submission:

Dasa
Classification: Uncertain significance. Last evaluated: 2026-01-22. Review status: criteria provided, single submitter. Criteria: DASA Assertion Criteria. Collection method: clinical testing. Allele origin: germline.
Comment: NM_007315.4(STAT1):c.785+3A>G is a splice-region variant. This variant is absent from population databases. Computational prediction algorithms are consistent with a benign effect. The currently available literature and clinical evidence are not sufficient to establish a definitive association between this variant and the reported condition. Therefore, this variant is classified as a variant of uncertain significance.